The following is an entry in ClinVar:

NM_007055.4(POLR3A):c.2278C>T (p.Arg760Cys)

Gene: POLR3A (RNA polymerase III subunit A; minus strand). Cytogenetic location: 10q22.3.
Variant type: single nucleotide variant.
Coding change: c.2278C>T on transcript NM_007055.4 (MANE Select); coding-DNA position 2278, C replaced by T.
Protein change: p.Arg760Cys; replaces arginine 760 with cysteine.
Molecular consequence: missense variant.
Genome position (GRCh38, 1-based): chr10:78,002,278, G>A on the plus strand (C>T on the coding strand, the complement: POLR3A is on the minus strand). VCF-style: chr10-78002278-G-A. GRCh37 (hg19) VCF-style: chr10-79762036-G-A.
Other names: short protein forms R760C.
Identifiers: ClinVar variation 1716734 (VCV001716734.5), dbSNP rs2493209588, ClinGen allele CA377337212.

ClinVar aggregate classification (germline): Uncertain significance (1 of 4 stars; one submission).

Submission:

Labcorp Genetics (formerly Invitae), Labcorp
Classification: Uncertain significance. Last evaluated: 2023-12-11. Review status: criteria provided, single submitter. Criteria: Invitae Variant Classification Sherloc (09022015). Collection method: clinical testing. Allele origin: germline.
Comment: This sequence change replaces arginine, which is basic and polar, with cysteine, which is neutral and slightly polar, at codon 760 of the POLR3A protein (p.Arg760Cys). This variant is not present in population databases (gnomAD no frequency). This variant has not been reported in the literature in individuals affected with POLR3A-related conditions. ClinVar contains an entry for this variant (Variation ID: 1716734). Advanced modeling of protein sequence and biophysical properties (such as structural, functional, and spatial information, amino acid conservation, physicochemical variation, residue mobility, and thermodynamic stability) performed at Invitae indicates that this missense variant is expected to disrupt POLR3A protein function with a positive predictive value of 80%. In summary, the available evidence is currently insufficient to determine the role of this variant in disease. Therefore, it has been classified as a Variant of Uncertain Significance.